The following is an entry in ClinVar:

NM_000548.5(TSC2):c.4866C>T (p.Ala1622=)

Gene: TSC2 (TSC complex subunit 2; plus strand). Cytogenetic location: 16p13.3.
Variant type: single nucleotide variant.
Coding change: c.4866C>T on transcript NM_000548.5 (MANE Select); coding-DNA position 4866, C replaced by T.
Protein change: p.Ala1622=; no amino-acid change (alanine 1622 retained).
Molecular consequence: synonymous variant.
Genome position (GRCh38, 1-based): chr16:2,086,748, C>T. VCF-style: chr16-2086748-C-T. GRCh37 (hg19) VCF-style: chr16-2136749-C-T.
Other names: c.4866C>T (NM_000548.3); c.4665C>T, p.Ala1555= (NM_001077183.3); c.4797C>T, p.Ala1599= (NM_001114382.3); c.4557C>T, p.Ala1519= (NM_001318827.2); c.4521C>T, p.Ala1507= (NM_001318829.2); c.4134C>T, p.Ala1378= (NM_001318831.2); c.4698C>T, p.Ala1566= (NM_001318832.2); c.4668C>T, p.Ala1556= (NM_001363528.2); and 2 more.
Identifiers: ClinVar variation 1154546 (VCV001154546.11), dbSNP rs775723717, ClinGen allele CA052976.

ClinVar aggregate classification (germline): Benign/Likely benign. Review status: criteria provided, multiple submitters, no conflicts (2 of 4 stars). 3 submissions from 3 submitters: Benign (1); Likely benign (2). Last evaluated 2025-11-24.

Conditions:
Hereditary cancer-predisposing syndrome. Also called: Hereditary Cancer Syndrome; Hereditary neoplastic syndrome; Neoplastic Syndromes, Hereditary; Tumor predisposition. Identifiers: Orphanet 140162, MedGen C0027672, MeSH D009386, MONDO:0015356.
Tuberous sclerosis 2 (TSC2). Identifiers: Orphanet 805, MedGen C1860707, MONDO:0013199, OMIM 613254.

Allele frequency attached by ClinVar (database versions not stated): gnomAD exomes below 0.00001 and 0.00001; ExAC 0.00001.
gnomAD v4.1: 13 of 1,610,852 alleles (0.00081%); highest among the groups gnomAD compares: East Asian, 0.0045%; no homozygotes.

Submissions (3):

Labcorp Genetics (formerly Invitae), Labcorp
Classification: Likely benign for Tuberous sclerosis 2. Last evaluated: 2025-11-24. Review status: criteria provided, single submitter. Criteria: Invitae Variant Classification Sherloc (09022015). Collection method: clinical testing. Allele origin: germline.

Myriad Genetics, Inc.
Classification: Benign for Tuberous sclerosis 2. Last evaluated: 2025-06-05. Review status: criteria provided, single submitter. Criteria: Myriad Autosomal Dominant, Autosomal Recessive and X-Linked Classification Criteria (2023). Collection method: clinical testing. Allele origin: unknown.
Comment: This variant is considered benign. This variant is a silent/synonymous amino acid change and it is not expected to impact splicing.

Ambry Genetics
Classification: Likely benign for Hereditary cancer-predisposing syndrome. Last evaluated: 2025-05-24. Review status: criteria provided, single submitter. Criteria: Ambry Variant Classification Scheme 2023. Collection method: clinical testing. Allele origin: germline.